The following is an entry in ClinVar:

ClinVar aggregate classification (germline): Uncertain significance (1 of 4 stars; one submission).

gnomAD v4.1: 2 of 1,614,026 alleles (0.00012%); highest among the groups gnomAD compares: African/African-American, 0.0013%; no homozygotes.

Submission:

Labcorp Genetics (formerly Invitae), Labcorp
Classification: Uncertain significance. Last evaluated: 2025-06-10. Review status: criteria provided, single submitter. Criteria: Invitae Variant Classification Sherloc (09022015). Collection method: clinical testing. Allele origin: germline.
Comment: This sequence change replaces aspartic acid, which is acidic and polar, with asparagine, which is neutral and polar, at codon 311 of the WNT3 protein (p.Asp311Asn). This variant is not present in population databases (gnomAD no frequency). This variant has not been reported in the literature in individuals affected with WNT3-related conditions. Invitae Evidence Modeling of protein sequence and biophysical properties (such as structural, functional, and spatial information, amino acid conservation, physicochemical variation, residue mobility, and thermodynamic stability) indicates that this missense variant is not expected to disrupt WNT3 protein function with a negative predictive value of 80%. In summary, the available evidence is currently insufficient to determine the role of this variant in disease. Therefore, it has been classified as a Variant of Uncertain Significance.

NM_030753.5(WNT3):c.931G>A (p.Asp311Asn)

Genes: LRRC37A2 (leucine rich repeat containing 37 member A2), WNT3 (Wnt family member 3; minus strand). Cytogenetic location: 17q21.31.
Variant type: single nucleotide variant.
Coding change: c.931G>A on transcript NM_030753.5 (MANE Select); coding-DNA position 931, G replaced by A.
Protein change: p.Asp311Asn; replaces aspartic acid 311 with asparagine.
Molecular consequence: missense variant.
Genome position (GRCh38, 1-based): chr17:46,768,457, C>T on the plus strand (G>A on the coding strand, the complement: WNT3 is on the minus strand). VCF-style: chr17-46768457-C-T. GRCh37 (hg19) VCF-style: chr17-44845823-C-T.
Other names: short protein forms D311N.
Identifiers: ClinVar variation 4743525 (VCV004743525.1).